The following is an entry in ClinVar:

NM_002439.5(MSH3):c.734A>T (p.Asp245Val)

Gene: MSH3 (mutS homolog 3; plus strand). Cytogenetic location: 5q14.1.
Variant type: single nucleotide variant.
Coding change: c.734A>T on transcript NM_002439.5 (MANE Select); coding-DNA position 734, A replaced by T.
Protein change: p.Asp245Val; replaces aspartic acid 245 with valine.
Molecular consequence: missense variant.
Genome position (GRCh38, 1-based): chr5:80,670,251, A>T. VCF-style: chr5-80670251-A-T. GRCh37 (hg19) VCF-style: chr5-79966070-A-T.
Other names: short protein forms D245V.
Identifiers: ClinVar variation 3398721 (VCV003398721.1).
Genomic context (GRCh38, chr5:80,670,251, plus strand): 5'-CCAAAAGCATCTATACGCCGCTAGAATTACAATACATAGAAATGAAGCAGCAGCACAAAG[A>T]TGCAGTTTTGTGTGTGGAATGTGGATATAAGTATAGATTCTTTGGGGAAGATGCAGAGGT-3'
Protein context (NP_002430.3, residues 235-255): QYIEMKQQHK[Asp245Val]AVLCVECGYK

ClinVar aggregate classification (germline): Uncertain significance (1 of 4 stars; one submission).

Conditions:
Hereditary cancer-predisposing syndrome. Also called: Hereditary Cancer Syndrome; Tumor predisposition; Hereditary neoplastic syndrome; Neoplastic Syndromes, Hereditary. Identifiers: Orphanet 140162, MedGen C0027672, MeSH D009386, MONDO:0015356.

Submission:

Ambry Genetics
Classification: Uncertain significance for Hereditary cancer-predisposing syndrome. Last evaluated: 2024-09-08. Review status: criteria provided, single submitter. Criteria: Ambry Variant Classification Scheme 2023. Collection method: clinical testing. Allele origin: germline.
Comment: The p.D245V variant (also known as c.734A>T), located in coding exon 4 of the MSH3 gene, results from an A to T substitution at nucleotide position 734. The aspartic acid at codon 245 is replaced by valine, an amino acid with highly dissimilar properties. This amino acid position is conserved. In addition, this alteration is predicted to be deleterious by in silico analysis. Based on the available evidence, the clinical significance of this variant remains unclear.